The following is an entry in ClinVar:

NM_194454.3(KRIT1):c.1437_1438del (p.Lys479fs)

Gene: KRIT1 (KRIT1 ankyrin repeat containing; minus strand). Cytogenetic location: 7q21.2.
Variant type: Deletion.
Coding change: c.1437_1438del on transcript NM_194454.3 (MANE Select); coding-DNA positions 1437 to 1438, 2 bases deleted (AC; older notation c.1437_1438delAC).
Protein change: p.Lys479fs; shifts the reading frame from lysine 479.
Molecular consequence: frameshift variant.
Genome position (GRCh38, 1-based): chr7:92,222,027-92,222,028, GT deleted on the plus strand (AC on the coding strand, the reverse complement: KRIT1 is on the minus strand). VCF-style (leftmost placement, unchanged base first): chr7-92222026-GGT-G. GRCh37 (hg19) VCF-style: chr7-91851340-GGT-G.
Other names: c.1437_1438del, p.Lys479fs (NM_001350676.1, NM_001350677.1, NM_001350678.1 and 26 more transcripts); c.1293_1294del, p.Lys431fs (NM_001013406.2, NM_001350669.1, NM_001350670.1); c.723_724del, p.Lys241fs (NM_001350671.1); c.1437_1438delAC (NM_194456.1); short protein forms K431fs, K479fs, K241fs.
Identifiers: ClinVar variation 576708 (VCV000576708.7), dbSNP rs1563263905, ClinGen allele CA891842816.

ClinVar aggregate classification (germline): Pathogenic (1 of 4 stars; one submission).

Conditions:
Cerebral cavernous malformation (CCM). Also called: CAVERNOUS ANGIOMA, FAMILIAL; CAVERNOUS ANGIOMATOUS MALFORMATIONS; CEREBRAL CAPILLARY MALFORMATIONS; Cerebral cavernous hemangioma (type); Cavernous Hemangioma of Brain; Cerebral cavernous malformations. Identifiers: Orphanet 221061, MedGen C2919945, MONDO:0000820, OMIM 116860, HP:0033522.

Submission:

Labcorp Genetics (formerly Invitae), Labcorp
Classification: Pathogenic for Cerebral cavernous malformation. Last evaluated: 2018-04-28. Review status: criteria provided, single submitter. Criteria: Invitae Variant Classification Sherloc (09022015). Collection method: clinical testing. Allele origin: germline.
Comment: This variant is not present in population databases (ExAC no frequency). This variant has not been reported in the literature in individuals with KRIT1-related disease. Loss-of-function variants in KRIT1 are known to be pathogenic (PMID: 10508515, 11222804, 12404106). For these reasons, this variant has been classified as Pathogenic. This sequence change creates a premature translational stop signal (p.Lys479Asnfs*7) in the KRIT1 gene. It is expected to result in an absent or disrupted protein product.

Literature cited by the submitters: PubMed 10508515; PubMed 11222804; PubMed 12404106.